The following is an entry in ClinVar:

NM_178844.4(NLRC3):c.1341G>A (p.Ser447=)

Gene: NLRC3 (NLR family CARD domain containing 3; minus strand). Cytogenetic location: 16p13.3.
Variant type: single nucleotide variant.
Coding change: c.1341G>A on transcript NM_178844.4 (MANE Select); coding-DNA position 1341, G replaced by A.
Protein change: p.Ser447=; no amino-acid change (serine 447 retained).
Molecular consequence: synonymous variant. On other transcripts: non-coding transcript variant (1).
Genome position (GRCh38, 1-based): chr16:3,563,596, C>T on the plus strand (G>A on the coding strand, the complement: NLRC3 is on the minus strand). VCF-style: chr16-3563596-C-T. GRCh37 (hg19) VCF-style: chr16-3613597-C-T.
Identifiers: ClinVar variation 2646108 (VCV002646108.24), dbSNP rs569145561, ClinGen allele CA7864825.

ClinVar aggregate classification (germline): Likely benign (1 of 4 stars; one submission).

Allele frequency attached by ClinVar (database versions not stated): TOPMed 0.00006; 1000 Genomes Project 30x 0.00016; 1000 Genomes Project 0.00020; gnomAD 0.00005.
gnomAD v4.1: 292 of 1,613,012 alleles (0.018%); highest among the groups gnomAD compares: Non-Finnish European, 0.022%; no homozygotes.

Submission:

CeGaT Center for Human Genetics Tuebingen
Classification: Likely benign. Last evaluated: 2022-10-01. Review status: criteria provided, single submitter. Criteria: CeGaT Center For Human Genetics Tuebingen Variant Classification Criteria Version 2. Collection method: clinical testing. Allele origin: germline. Affected: yes. Observed: 1 variant allele.
Comment: NLRC3: BP4, BP7